The following is an entry in ClinVar:

ClinVar aggregate classification (germline): Conflicting classifications of pathogenicity. Review status: criteria provided, conflicting classifications (1 of 4 stars). 3 submissions from 3 submitters: Uncertain significance (2); Likely benign (1). Last evaluated 2026-04-01.

Conditions:
Inborn genetic diseases. Identifiers: MedGen C0950123, MeSH D030342.

Allele frequency attached by ClinVar (database versions not stated): ExAC 0.00001; gnomAD exomes 0.00004; TOPMed 0.00021; gnomAD 0.00025.
gnomAD v4.1: 64 of 1,609,792 alleles (0.004%); highest among the groups gnomAD compares: Admixed American, 0.11%; no homozygotes.

Submissions (3):

CeGaT Center for Human Genetics Tuebingen
Classification: Likely benign. Last evaluated: 2026-04-01. Review status: criteria provided, single submitter. Criteria: CeGaT Center For Human Genetics Tuebingen Variant Classification Criteria Version 2. Collection method: clinical testing. Allele origin: germline. Affected: yes. Observed: 1 variant allele.
Comment: ABCB6: BS1

Ambry Genetics
Classification: Uncertain significance for Inborn genetic diseases. Last evaluated: 2025-12-04. Review status: criteria provided, single submitter. Criteria: Ambry Variant Classification Scheme 2023. Collection method: clinical testing. Allele origin: germline.

GeneDx
Classification: Uncertain significance. Last evaluated: 2025-08-13. Review status: criteria provided, single submitter. Criteria: GeneDx Variant Classification Process June 2021. Collection method: clinical testing. Allele origin: germline. Affected: yes.
Comment: In silico analysis suggests that this missense variant does not alter protein structure/function; Has not been previously published as pathogenic or benign to our knowledge

NM_005689.4(ABCB6):c.230T>A (p.Leu77Gln)

Gene: ABCB6 (ATP binding cassette subfamily B member 6 (LAN blood group); minus strand). Cytogenetic location: 2q35.
Variant type: single nucleotide variant.
Coding change: c.230T>A on transcript NM_005689.4 (MANE Select); coding-DNA position 230, T replaced by A.
Protein change: p.Leu77Gln; replaces leucine 77 with glutamine.
Molecular consequence: missense variant.
Genome position (GRCh38, 1-based): chr2:219,218,444, A>T on the plus strand (T>A on the coding strand, the complement: ABCB6 is on the minus strand). VCF-style: chr2-219218444-A-T. GRCh37 (hg19) VCF-style: chr2-220083166-A-T.
Other names: c.230T>A, p.Leu77Gln (NM_001349828.2); short protein forms L77Q.
Identifiers: ClinVar variation 3124440 (VCV003124440.5), dbSNP rs752858714, ClinGen allele CA2119797.